The following is an entry in ClinVar:

ClinVar aggregate classification (germline): Uncertain significance (1 of 4 stars; one submission).

Conditions:
Sterile multifocal osteomyelitis with periostitis and pustulosis. Also called: CHRONIC RECURRENT MULTIFOCAL OSTEOMYELITIS 2, WITH PERIOSTITIS AND PUSTULOSIS. Identifiers: Orphanet 210115, MedGen C2748507, MONDO:0013021, OMIM 612852.

Allele frequency attached by ClinVar (database versions not stated): gnomAD 0.00001 and 0.00002; gnomAD exomes below 0.00001; ExAC 0.00001.
gnomAD v4.1: 9 of 1,613,258 alleles (0.00056%); highest among the groups gnomAD compares: Non-Finnish European, 0.00059%; no homozygotes.

Submission:

Labcorp Genetics (formerly Invitae), Labcorp
Classification: Uncertain significance for Sterile multifocal osteomyelitis with periostitis and pustulosis. Last evaluated: 2020-08-24. Review status: criteria provided, single submitter. Criteria: Invitae Variant Classification Sherloc (09022015). Collection method: clinical testing. Allele origin: germline.
Comment: In summary, the available evidence is currently insufficient to determine the role of this variant in disease. Therefore, it has been classified as a Variant of Uncertain Significance. Algorithms developed to predict the effect of sequence changes on RNA splicing suggest that this variant may create or strengthen a splice site, but this prediction has not been confirmed by published transcriptional studies. This variant has not been reported in the literature in individuals with IL1RN-related conditions. This variant is present in population databases (rs749244809, ExAC 0.002%). This sequence change replaces glutamic acid with valine at codon 9 of the IL1RN protein (p.Glu9Val). The glutamic acid residue is weakly conserved and there is a moderate physicochemical difference between glutamic acid and valine.

NM_173841.3(IL1RN):c.26A>T (p.Glu9Val)

Gene: IL1RN (interleukin 1 receptor antagonist; plus strand). Cytogenetic location: 2q14.1.
Variant type: single nucleotide variant.
Coding change: c.26A>T on transcript NM_173841.3; coding-DNA position 26, A replaced by T.
Protein change: p.Glu9Val; replaces glutamic acid 9 with valine.
Molecular consequence: missense variant. On other transcripts: 5 prime UTR variant (1), intron variant (2).
Genome position (GRCh38, 1-based): chr2:113,120,081, A>T. VCF-style: chr2-113120081-A-T. GRCh37 (hg19) VCF-style: chr2-113877658-A-T.
Other names: c.-257A>T (NM_001318914.2); c.-209-1367A>T (NM_173843.3); c.10+2053A>T (NM_000577.5); short protein forms E9V.
Identifiers: ClinVar variation 1009294 (VCV001009294.8), dbSNP rs749244809, ClinGen allele CA1838715.